The following is an entry in ClinVar:

NM_000552.5(VWF):c.1461G>A (p.Thr487=)

Gene: VWF (von Willebrand factor; minus strand). Cytogenetic location: 12p13.31.
Variant type: single nucleotide variant.
Coding change: c.1461G>A on transcript NM_000552.5 (MANE Select); coding-DNA position 1461, G replaced by A.
Protein change: p.Thr487=; no amino-acid change (threonine 487 retained).
Molecular consequence: synonymous variant.
Genome position (GRCh38, 1-based): chr12:6,063,026, C>T on the plus strand (G>A on the coding strand, the complement: VWF is on the minus strand). VCF-style: chr12-6063026-C-T. GRCh37 (hg19) VCF-style: chr12-6172192-C-T.
Identifiers: ClinVar variation 4532994 (VCV004532994.1).

ClinVar aggregate classification (germline): Uncertain significance (1 of 4 stars; one submission).

gnomAD v4.1: 68 of 1,613,586 alleles (0.0042%); highest among the groups gnomAD compares: African/African-American, 0.0093%; no homozygotes.

Submission:

Quest Diagnostics Nichols Institute San Juan Capistrano
Classification: Uncertain significance. Last evaluated: 2025-07-22. Review status: criteria provided, single submitter. Criteria: Quest Diagnostics criteria. Collection method: clinical testing. Allele origin: unknown.
Comment: The VWF c.1461G>A (p.Thr487=) synonymous variant has not been reported in individuals with VWF-related conditions in the published literature. The frequency of this variant in the general population (Genome Aggregation Database) is uninformative in the assessment of its pathogenicity. Analysis of this variant using software algorithms for the prediction of the effect of nucleotide changes on splicing yielded predictions that this variant does not affect VWF mRNA splicing. Based on the available information, we are unable to determine the clinical significance of this variant.